The following is an entry in ClinVar:

NM_004385.5(VCAN):c.8501_8502delinsAG (p.Gly2834Glu)

Genes: VCAN-AS1 (VCAN antisense RNA 1; minus strand), VCAN (versican; plus strand). Cytogenetic location: 5q14.3.
Variant type: Indel.
Coding change: c.8501_8502delinsAG on transcript NM_004385.5 (MANE Select); coding-DNA positions 8501 to 8502, GC replaced by AG.
Protein change: p.Gly2834Glu; replaces glycine 2834 with glutamic acid.
Molecular consequence: missense variant. On other transcripts: intron variant (2).
Genome position (GRCh38, 1-based): chr5:83,541,504-83,541,505, GC replaced by AG. VCF-style: chr5-83541504-GC-AG. GRCh37 (hg19) VCF-style: chr5-82837323-GC-AG.
Other names: c.5540_5541delinsAG, p.Gly1847Glu (NM_001164097.2); c.4004-4033_4004-4032delinsAG (NM_001164098.2); c.1043-4033_1043-4032delinsAG (NM_001126336.3); short protein forms G1847E, G2834E.
Identifiers: ClinVar variation 1719659 (VCV001719659.5), dbSNP rs2479123760, ClinGen allele CA2580073665.
Genomic context (GRCh38, chr5:83,541,504, plus strand): 5'-TTTCAACATTTGCGAAGTTGTCTTCTCAGACACCATCATCTCCCCTCACTATCTACTCAG[GC>AG]AGTGAAGCCTCTGGACACACAGAGATCCCCCAGCCCAGTGCTCTGCCAGGAATAGACGTC-3'
Protein context (NP_004376.2, residues 2824-2844): TPSSPLTIYS[Gly2834Glu]SEASGHTEIP

ClinVar aggregate classification (germline): Uncertain significance (1 of 4 stars; one submission).

Submission:

Labcorp Genetics (formerly Invitae), Labcorp
Classification: Uncertain significance. Last evaluated: 2022-09-17. Review status: criteria provided, single submitter. Criteria: Invitae Variant Classification Sherloc (09022015). Collection method: clinical testing. Allele origin: germline.
Comment: In summary, the available evidence is currently insufficient to determine the role of this variant in disease. Therefore, it has been classified as a Variant of Uncertain Significance. Algorithms developed to predict the effect of missense changes on protein structure and function are either unavailable or do not agree on the potential impact of this missense change (SIFT: "Not Available"; PolyPhen-2: "Possibly Damaging"; Align-GVGD: "Not Available"). This variant has not been reported in the literature in individuals affected with VCAN-related conditions. Information on the frequency of this variant in the gnomAD database is not available, as this variant may be reported differently in the database. This sequence change replaces glycine, which is neutral and non-polar, with glutamic acid, which is acidic and polar, at codon 2834 of the VCAN protein (p.Gly2834Glu).